The following is an entry in ClinVar:

NM_001041.4(SI):c.1142C>T (p.Pro381Leu)

Gene: SI (sucrase-isomaltase; minus strand). Cytogenetic location: 3q26.1.
Variant type: single nucleotide variant.
Coding change: c.1142C>T on transcript NM_001041.4 (MANE Select); coding-DNA position 1142, C replaced by T.
Protein change: p.Pro381Leu; replaces proline 381 with leucine.
Molecular consequence: missense variant.
Genome position (GRCh38, 1-based): chr3:165,059,906, G>A on the plus strand (C>T on the coding strand, the complement: SI is on the minus strand). VCF-style: chr3-165059906-G-A. GRCh37 (hg19) VCF-style: chr3-164777694-G-A.
Other names: c.1142C>T (NM_001041.3); short protein forms P381L.
Identifiers: ClinVar variation 1931963 (VCV001931963.6), dbSNP rs528535943, ClinGen allele CA2691186.

ClinVar aggregate classification (germline): Uncertain significance. Review status: criteria provided, multiple submitters, no conflicts (2 of 4 stars). 2 submissions from 2 submitters: Uncertain significance (2). Last evaluated 2025-08-10.

Conditions:
Inborn genetic diseases. Identifiers: MedGen C0950123, MeSH D030342.

Allele frequency attached by ClinVar (database versions not stated): ExAC 0.00002.
gnomAD v4.1: 53 of 1,611,056 alleles (0.0033%); highest among the groups gnomAD compares: Non-Finnish European, 0.0042%; no homozygotes.

Submissions (2):

Ambry Genetics
Classification: Uncertain significance for Inborn genetic diseases. Last evaluated: 2025-08-10. Review status: criteria provided, single submitter. Criteria: Ambry Variant Classification Scheme 2023. Collection method: clinical testing. Allele origin: germline.

Labcorp Genetics (formerly Invitae), Labcorp
Classification: Uncertain significance. Last evaluated: 2022-06-28. Review status: criteria provided, single submitter. Criteria: Invitae Variant Classification Sherloc (09022015). Collection method: clinical testing. Allele origin: germline.
Comment: In summary, the available evidence is currently insufficient to determine the role of this variant in disease. Therefore, it has been classified as a Variant of Uncertain Significance. Advanced modeling of protein sequence and biophysical properties (such as structural, functional, and spatial information, amino acid conservation, physicochemical variation, residue mobility, and thermodynamic stability) performed at Invitae indicates that this missense variant is expected to disrupt SI protein function. This variant has not been reported in the literature in individuals affected with SI-related conditions. This variant is present in population databases (rs528535943, gnomAD 0.002%). This sequence change replaces proline, which is neutral and non-polar, with leucine, which is neutral and non-polar, at codon 381 of the SI protein (p.Pro381Leu).